The following is an entry in ClinVar:

NM_014714.4(IFT140):c.2527C>A (p.Pro843Thr)

Gene: IFT140 (intraflagellar transport 140; minus strand). Cytogenetic location: 16p13.3.
Variant type: single nucleotide variant.
Coding change: c.2527C>A on transcript NM_014714.4 (MANE Select); coding-DNA position 2527, C replaced by A.
Protein change: p.Pro843Thr; replaces proline 843 with threonine.
Molecular consequence: missense variant.
Genome position (GRCh38, 1-based): chr16:1,526,669, G>T on the plus strand (C>A on the coding strand, the complement: IFT140 is on the minus strand). VCF-style: chr16-1526669-G-T. GRCh37 (hg19) VCF-style: chr16-1576670-G-T.
Other names: short protein forms P843T.
Identifiers: ClinVar variation 1381657 (VCV001381657.6), dbSNP rs1567331532, ClinGen allele CA394228137.

ClinVar aggregate classification (germline): Uncertain significance (1 of 4 stars; one submission).

Conditions:
Saldino-Mainzer syndrome (SRTD9). Also called: CONORENAL SYNDROME; Renal dysplasia, retinal pigmentary dystrophy, cerebellar ataxia and skeletal dysplasia; SHORT-RIB THORACIC DYSPLASIA 9 WITHOUT POLYDACTYLY; short-rib thoracic dysplasia 9 with or without polydactyly. Identifiers: Orphanet 140969, MedGen C1849437, MONDO:0009964, OMIM 266920.

Allele frequency attached by ClinVar (database versions not stated): gnomAD exomes below 0.00001.
gnomAD v4.1: 1 of 1,598,390 alleles (0.000063%); highest among the groups gnomAD compares: African/African-American, 0.0013%; no homozygotes.

Submission:

Labcorp Genetics (formerly Invitae), Labcorp
Classification: Uncertain significance for Saldino-Mainzer syndrome. Last evaluated: 2021-09-17. Review status: criteria provided, single submitter. Criteria: Invitae Variant Classification Sherloc (09022015). Collection method: clinical testing. Allele origin: germline.
Comment: This sequence change replaces proline with threonine at codon 843 of the IFT140 protein (p.Pro843Thr). The proline residue is moderately conserved and there is a small physicochemical difference between proline and threonine. This variant is not present in population databases (ExAC no frequency). This variant has not been reported in the literature in individuals affected with IFT140-related conditions. Algorithms developed to predict the effect of missense changes on protein structure and function are either unavailable or do not agree on the potential impact of this missense change (SIFT: "Tolerated"; PolyPhen-2: "Possibly Damaging"; Align-GVGD: "Class C0"). In summary, the available evidence is currently insufficient to determine the role of this variant in disease. Therefore, it has been classified as a Variant of Uncertain Significance.